The following is an entry in ClinVar:

ClinVar aggregate classification (germline): Uncertain significance (1 of 4 stars; one submission).

Conditions:
Nemaline myopathy 2 (NEM2). Also called: Nemaline myopathy 2, autosomal recessive. Identifiers: MedGen C1850569, MONDO:0009725, OMIM 256030.

Allele frequency attached by ClinVar (database versions not stated): gnomAD 0.00001; TOPMed 0.00002; ExAC 0.00003.
gnomAD v4.1: 20 of 1,613,198 alleles (0.0012%); highest among the groups gnomAD compares: South Asian, 0.0099%; no homozygotes.

Submission:

Labcorp Genetics (formerly Invitae), Labcorp
Classification: Uncertain significance for Nemaline myopathy 2. Last evaluated: 2022-07-06. Review status: criteria provided, single submitter. Criteria: Invitae Variant Classification Sherloc (09022015). Collection method: clinical testing. Allele origin: germline.
Comment: This sequence change replaces arginine, which is basic and polar, with histidine, which is basic and polar, at codon 5783 of the NEB protein (p.Arg5783His). This variant is present in population databases (rs781536774, gnomAD 0.007%). This variant has not been reported in the literature in individuals affected with NEB-related conditions. Algorithms developed to predict the effect of missense changes on protein structure and function output the following: SIFT: "Deleterious"; PolyPhen-2: "Not Available"; Align-GVGD: "Class C0". The histidine amino acid residue is found in multiple mammalian species, which suggests that this missense change does not adversely affect protein function. In summary, the available evidence is currently insufficient to determine the role of this variant in disease. Therefore, it has been classified as a Variant of Uncertain Significance.

NM_001164508.2(NEB):c.17348G>A (p.Arg5783His)

Gene: NEB (nebulin; minus strand). Cytogenetic location: 2q23.3.
Variant type: single nucleotide variant.
Coding change: c.17348G>A on transcript NM_001164508.2 (MANE Select); coding-DNA position 17348, G replaced by A.
Protein change: p.Arg5783His; replaces arginine 5783 with histidine.
Molecular consequence: missense variant.
Genome position (GRCh38, 1-based): chr2:151,570,163, C>T on the plus strand (G>A on the coding strand, the complement: NEB is on the minus strand). VCF-style: chr2-151570163-C-T. GRCh37 (hg19) VCF-style: chr2-152426677-C-T.
Other names: c.17348G>A, p.Arg5783His (NM_001164507.2, NM_001271208.2); c.12245G>A, p.Arg4082His (NM_004543.5); short protein forms R4082H, R5783H.
Identifiers: ClinVar variation 2111171 (VCV002111171.1), dbSNP rs781536774, ClinGen allele CA1908244.